The following is an entry in ClinVar:

ClinVar aggregate classification (germline): Uncertain significance (1 of 4 stars; one submission).

Conditions:
Meier-Gorlin syndrome 1 (MGORS1). Also called: EAR, PATELLA, SHORT STATURE SYNDROME. Identifiers: Orphanet 2554, MedGen C4552001, MONDO:0009143, OMIM 224690.

Submission:

Baylor Genetics
Classification: Uncertain significance for Meier-Gorlin syndrome 1. Last evaluated: 2020-06-03. Review status: criteria provided, single submitter. Criteria: ACMG Guidelines, 2015. Collection method: clinical testing. Allele origin: unknown. Affected: yes.
Comment: This variant was determined to be of uncertain significance according to ACMG Guidelines, 2015 [PMID:25741868].

NM_004153.4(ORC1):c.1582G>A (p.Gly528Arg)

Gene: ORC1 (origin recognition complex subunit 1; minus strand). Cytogenetic location: 1p32.3.
Variant type: single nucleotide variant.
Coding change: c.1582G>A on transcript NM_004153.4 (MANE Select); coding-DNA position 1582, G replaced by A.
Protein change: p.Gly528Arg; replaces glycine 528 with arginine.
Molecular consequence: missense variant.
Genome position (GRCh38, 1-based): chr1:52,385,162, C>T on the plus strand (G>A on the coding strand, the complement: ORC1 is on the minus strand). VCF-style: chr1-52385162-C-T. GRCh37 (hg19) VCF-style: chr1-52850834-C-T.
Other names: c.1582G>A, p.Gly528Arg (NM_001190818.2); c.1567G>A, p.Gly523Arg (NM_001190819.2); short protein forms G523R, G528R.
Identifiers: ClinVar variation 1028196 (VCV001028196.1), dbSNP rs1647126216, ClinGen allele CA340355099.